The following is an entry in ClinVar:

ClinVar aggregate classification (germline): Uncertain significance (1 of 4 stars; one submission).

Conditions:
Inborn genetic diseases. Identifiers: MedGen C0950123, MeSH D030342.

Submission:

Ambry Genetics
Classification: Uncertain significance for Inborn genetic diseases. Last evaluated: 2026-02-24. Review status: criteria provided, single submitter. Criteria: Ambry Variant Classification Scheme 2023. Collection method: clinical testing. Allele origin: germline.
Comment: The p.R605G variant (also known as c.1813C>G), located in coding exon 14 of the FANCG gene, results from a C to G substitution at nucleotide position 1813. The arginine at codon 605 is replaced by glycine, an amino acid with dissimilar properties. This amino acid position is conserved. In addition, this alteration is predicted to be tolerated by in silico analysis. Based on the available evidence, the clinical significance of this variant remains unclear.

NM_004629.2(FANCG):c.1813C>G (p.Arg605Gly)

Gene: FANCG (FA complementation group G; minus strand). Cytogenetic location: 9p13.3.
Variant type: single nucleotide variant.
Coding change: c.1813C>G on transcript NM_004629.2 (MANE Select); coding-DNA position 1813, C replaced by G.
Protein change: p.Arg605Gly; replaces arginine 605 with glycine.
Molecular consequence: missense variant.
Genome position (GRCh38, 1-based): chr9:35,074,164, G>C on the plus strand (C>G on the coding strand, the complement: FANCG is on the minus strand). VCF-style: chr9-35074164-G-C. GRCh37 (hg19) VCF-style: chr9-35074161-G-C.
Other names: short protein forms R605G.
Identifiers: ClinVar variation 4825746 (VCV004825746.1).